The following is an entry in ClinVar:

ClinVar aggregate classification (germline): Likely benign. Review status: criteria provided, multiple submitters, no conflicts (2 of 4 stars). 2 submissions from 2 submitters: Likely benign (2). Last evaluated 2024-11-13.

Conditions:
DPAGT1-related disorder. Also called: DPAGT1-related condition.
Congenital myasthenic syndrome 13 (CMS13). Also called: Myasthenic syndrome, congenital, 13, with tubular aggregates; Myasthenic syndrome, congenital, with tubular aggregates 2. Identifiers: Orphanet 353327, Orphanet 590, MedGen C3553645, MONDO:0013883, OMIM 614750.
DPAGT1-congenital disorder of glycosylation. Also called: CONGENITAL DISORDER OF GLYCOSYLATION, TYPE Ij; CDG Ij; DPAGT1-CDG. Identifiers: Orphanet 86309, MedGen C2931004, MONDO:0011964, OMIM 608093.

Allele frequency attached by ClinVar (database versions not stated): gnomAD exomes 0.00001; ExAC 0.00002; gnomAD 0.00002; TOPMed 0.00003; ESP Exome Variant Server 0.00008.

Submissions (2):

PreventionGenetics, part of Exact Sciences
Classification: Likely benign for DPAGT1-related condition. Last evaluated: 2024-11-13. Review status: criteria provided, single submitter. Criteria: ACMG Guidelines, 2015. Collection method: clinical testing. Allele origin: germline.
Comment: This variant is classified as likely benign based on ACMG/AMP sequence variant interpretation guidelines (Richards et al. 2015 PMID: 25741868, with internal and published modifications).

Labcorp Genetics (formerly Invitae), Labcorp
Classification: Likely benign for Congenital myasthenic syndrome 13; DPAGT1-congenital disorder of glycosylation. Last evaluated: 2022-03-04. Review status: criteria provided, single submitter. Criteria: Invitae Variant Classification Sherloc (09022015). Collection method: clinical testing. Allele origin: germline.

NM_001382.4(DPAGT1):c.917+7G>A

Gene: DPAGT1 (dolichyl-phosphate N-acetylglucosaminephosphotransferase 1; minus strand). Cytogenetic location: 11q23.3.
Variant type: single nucleotide variant.
Coding change: c.917+7G>A on transcript NM_001382.4 (MANE Select); 7 bases into the intron after coding-DNA position 917, G replaced by A.
Molecular consequence: intron variant.
Genome position (GRCh38, 1-based): chr11:119,097,848, C>T on the plus strand (G>A on the coding strand, the complement: DPAGT1 is on the minus strand). VCF-style: chr11-119097848-C-T. GRCh37 (hg19) VCF-style: chr11-118968558-C-T.
Other names: c.917+7G>A (NM_001382.3).
Identifiers: ClinVar variation 2111310 (VCV002111310.5), dbSNP rs372042820, ClinGen allele CA6314508.